The following is an entry in ClinVar:

ClinVar aggregate classification (germline): Uncertain significance (1 of 4 stars; one submission).

Conditions:
Hereditary cancer-predisposing syndrome. Also called: Neoplastic Syndromes, Hereditary; Tumor predisposition; Hereditary neoplastic syndrome; Hereditary Cancer Syndrome. Identifiers: Orphanet 140162, MedGen C0027672, MeSH D009386, MONDO:0015356.

Submission:

Ambry Genetics
Classification: Uncertain significance for Hereditary cancer-predisposing syndrome. Last evaluated: 2026-08-15. Review status: criteria provided, single submitter. Criteria: Ambry Variant Classification Scheme 2023. Collection method: clinical testing. Allele origin: germline.
Comment: The p.R1314S variant (also known as c.3942G>T), located in coding exon 15 of the APC gene, results from a G to T substitution at nucleotide position 3942. The arginine at codon 1314 is replaced by serine, an amino acid with dissimilar properties. This amino acid position is conserved. In addition, in silico predictors for this gene do not accurately predict pathogenicity. Based on the available evidence, the clinical significance of this variant remains unclear.

NM_000038.6(APC):c.3942G>T (p.Arg1314Ser)

Gene: APC (APC regulator of Wnt signaling pathway; plus strand). Cytogenetic location: 5q22.2.
Variant type: single nucleotide variant.
Coding change: c.3942G>T on transcript NM_000038.6 (MANE Select); coding-DNA position 3942, G replaced by T.
Protein change: p.Arg1314Ser; replaces arginine 1314 with serine.
Molecular consequence: missense variant. On other transcripts: non-coding transcript variant (2).
Genome position (GRCh38, 1-based): chr5:112,839,536, G>T. VCF-style: chr5-112839536-G-T. GRCh37 (hg19) VCF-style: chr5-112175233-G-T.
Other names: c.3972G>T, p.Arg1324Ser (NM_001354897.2); c.3867G>T, p.Arg1289Ser (NM_001354898.2); c.3858G>T, p.Arg1286Ser (NM_001354899.2); c.3819G>T, p.Arg1273Ser (NM_001354900.2); c.3765G>T, p.Arg1255Ser (NM_001354901.2, NM_001407453.1); c.3669G>T, p.Arg1223Ser (NM_001354902.2); c.3639G>T, p.Arg1213Ser (NM_001354903.2, NM_001407458.1, NM_001407459.1 and 1 more transcripts); c.3564G>T, p.Arg1188Ser (NM_001354904.2); and 11 more; short protein forms R1273S, R1342S, R1031S, R1154S, R1185S, R1223S, R1231S, R1286S.
Identifiers: ClinVar variation 5025811 (VCV005025811.1).
Genomic context (GRCh38, chr5:112,839,536, plus strand): 5'-GGAAGCAGATTCTGCTAATACCCTGCAAATAGCAGAAATAAAAGAAAAGATTGGAACTAG[G>T]TCAGCTGAAGATCCTGTGAGCGAAGTTCCAGCAGTGTCACAGCACCCTAGAACCAAATCC-3'
Protein context (NP_000029.2, residues 1304-1324): IAEIKEKIGT[Arg1314Ser]SAEDPVSEVP